The following is an entry in ClinVar:

NM_019066.5(MAGEL2):c.2841G>C (p.Glu947Asp)

Gene: MAGEL2 (MAGE family member L2; minus strand). Cytogenetic location: 15q11.2.
Variant type: single nucleotide variant.
Coding change: c.2841G>C on transcript NM_019066.5 (MANE Select); coding-DNA position 2841, G replaced by C.
Protein change: p.Glu947Asp; replaces glutamic acid 947 with aspartic acid.
Molecular consequence: missense variant.
Genome position (GRCh38, 1-based): chr15:23,644,902, C>G on the plus strand (G>C on the coding strand, the complement: MAGEL2 is on the minus strand). VCF-style: chr15-23644902-C-G. GRCh37 (hg19) VCF-style: chr15-23890049-C-G.
Other names: short protein forms E947D.
Identifiers: ClinVar variation 1302351 (VCV001302351.3), dbSNP rs941843764, ClinGen allele CA391327162.

ClinVar aggregate classification (germline): Uncertain significance. Review status: criteria provided, single submitter (1 of 4 stars). 2 submissions from 2 submitters: Uncertain significance (1). 1 of the submissions does not count toward it. Last evaluated 2019-06-20.

Conditions:
MAGEL2-related disorder. Also called: MAGEL2-related condition.

Submissions (2):

GeneDx
Classification: Uncertain significance. Last evaluated: 2019-06-20. Review status: criteria provided, single submitter. Criteria: GeneDx Variant Classification Process June 2021. Collection method: clinical testing. Allele origin: germline. Affected: yes.
Comment: Not observed in large population cohorts (Lek et al., 2016); In silico analysis, which includes protein predictors and evolutionary conservation, supports that this variant does not alter protein structure/function; Has not been previously published as pathogenic or benign to our knowledge

PreventionGenetics, part of Exact Sciences
Classification: Uncertain significance for MAGEL2-related condition. Last evaluated: 2023-11-13. Review status: no assertion criteria provided. Collection method: clinical testing. Allele origin: germline. Not counted in ClinVar's aggregate classification.
Comment: The MAGEL2 c.2841G>C variant is predicted to result in the amino acid substitution p.Glu947Asp. To our knowledge, this variant has not been reported in the literature or in a large population database, indicating this variant is rare. At this time, the clinical significance of this variant is uncertain due to the absence of conclusive functional and genetic evidence.